The following is an entry in ClinVar:

ClinVar aggregate classification (germline): Uncertain significance (1 of 4 stars; one submission).

gnomAD v4.1: 90 of 1,613,362 alleles (0.0056%); highest among the groups gnomAD compares: South Asian, 0.043%; 1 homozygote.

Submission:

GeneDx
Classification: Uncertain significance. Last evaluated: 2022-09-08. Review status: criteria provided, single submitter. Criteria: GeneDx Variant Classification Process June 2021. Collection method: clinical testing. Allele origin: germline. Affected: yes.
Comment: In silico analysis supports that this missense variant does not alter protein structure/function; Has not been previously published as pathogenic or benign to our knowledge

NM_173560.4(RFX6):c.1782C>G (p.His594Gln)

Genes: RFX6 (regulatory factor X6; plus strand), LOC126859771 (BRD4-independent group 4 enhancer GRCh37_chr6:117246147-117247346; plus strand). Cytogenetic location: 6q22.1.
Variant type: single nucleotide variant.
Coding change: c.1782C>G on transcript NM_173560.4 (MANE Select); coding-DNA position 1782, C replaced by G.
Protein change: p.His594Gln; replaces histidine 594 with glutamine.
Molecular consequence: missense variant.
Genome position (GRCh38, 1-based): chr6:116,925,556, C>G. VCF-style: chr6-116925556-C-G. GRCh37 (hg19) VCF-style: chr6-117246719-C-G.
Other names: short protein forms H594Q.
Identifiers: ClinVar variation 2443642 (VCV002443642.1), dbSNP rs4946206, ClinGen allele CA3973405.